The following is an entry in ClinVar:

NM_001286577.2(C2CD3):c.5923T>A (p.Ser1975Thr)

Gene: C2CD3 (C2 domain containing 3 centriole elongation regulator; minus strand). Cytogenetic location: 11q13.4.
Variant type: single nucleotide variant.
Coding change: c.5923T>A on transcript NM_001286577.2 (MANE Select); coding-DNA position 5923, T replaced by A.
Protein change: p.Ser1975Thr; replaces serine 1975 with threonine.
Molecular consequence: missense variant.
Genome position (GRCh38, 1-based): chr11:74,034,237, A>T on the plus strand (T>A on the coding strand, the complement: C2CD3 is on the minus strand). VCF-style: chr11-74034237-A-T. GRCh37 (hg19) VCF-style: chr11-73745282-A-T.
Other names: short protein forms S1975T.
Identifiers: ClinVar variation 1921805 (VCV001921805.5), dbSNP rs772407650, ClinGen allele CA6181730.
Genomic context (GRCh38, chr11:74,034,237, plus strand): 5'-CTGTGTCCTGAGCATCTGGGAGGGTGGTGGCCTTGTTGCTTCTACTCCTGGCTCGGTGAG[A>T]ACTCAAAGCTGCTTGCGAATCCCTGGTGATAGTCTGCAGATCTGAACAGCAACACATATC-3'
Protein context (NP_001273506.1, residues 1965-1985): ITRDSQAALS[Ser1975Thr]HRARSRSNKA

ClinVar aggregate classification (germline): Uncertain significance (1 of 4 stars; one submission).

Allele frequency attached by ClinVar (database versions not stated): TOPMed below 0.00001; gnomAD exomes 0.00001; ExAC 0.00007.
gnomAD v4.1: 17 of 1,535,994 alleles (0.0011%); highest among the groups gnomAD compares: South Asian, 0.02%; no homozygotes.

Submission:

Labcorp Genetics (formerly Invitae), Labcorp
Classification: Uncertain significance. Last evaluated: 2022-04-21. Review status: criteria provided, single submitter. Criteria: Invitae Variant Classification Sherloc (09022015). Collection method: clinical testing. Allele origin: germline.
Comment: This variant has not been reported in the literature in individuals affected with C2CD3-related conditions. This variant is present in population databases (rs772407650, gnomAD 0.01%). This sequence change replaces serine, which is neutral and polar, with threonine, which is neutral and polar, at codon 1975 of the C2CD3 protein (p.Ser1975Thr). The C2CD3 gene has multiple clinically relevant transcripts. This variant occurs in alternate transcript NM_001286577.1, and corresponds to NM_015531.5:c.*361T>A in the primary transcript. Experimental studies and prediction algorithms are not available or were not evaluated, and the functional significance of this variant is currently unknown. In summary, the available evidence is currently insufficient to determine the role of this variant in disease. Therefore, it has been classified as a Variant of Uncertain Significance.